The following is an entry in ClinVar:

ClinVar aggregate classification (germline): Uncertain significance (1 of 4 stars; one submission).

Allele frequency attached by ClinVar (database versions not stated): gnomAD 0.00001.

Submission:

Labcorp Genetics (formerly Invitae), Labcorp
Classification: Uncertain significance. Last evaluated: 2021-12-17. Review status: criteria provided, single submitter. Criteria: Invitae Variant Classification Sherloc (09022015). Collection method: clinical testing. Allele origin: germline.
Comment: In summary, the available evidence is currently insufficient to determine the role of this variant in disease. Therefore, it has been classified as a Variant of Uncertain Significance. Algorithms developed to predict the effect of missense changes on protein structure and function are either unavailable or do not agree on the potential impact of this missense change (SIFT: "Deleterious"; PolyPhen-2: "Probably Damaging"; Align-GVGD: "Class C0"). This variant has not been reported in the literature in individuals affected with SLC16A1-related conditions. This variant is not present in population databases (gnomAD no frequency). This sequence change replaces proline, which is neutral and non-polar, with alanine, which is neutral and non-polar, at codon 14 of the SLC16A1 protein (p.Pro14Ala).

NM_003051.4(SLC16A1):c.40C>G (p.Pro14Ala)

Gene: SLC16A1 (solute carrier family 16 member 1; minus strand). Cytogenetic location: 1p13.2.
Variant type: single nucleotide variant.
Coding change: c.40C>G on transcript NM_003051.4 (MANE Select); coding-DNA position 40, C replaced by G.
Protein change: p.Pro14Ala; replaces proline 14 with alanine.
Molecular consequence: missense variant.
Genome position (GRCh38, 1-based): chr1:112,929,269, G>C on the plus strand (C>G on the coding strand, the complement: SLC16A1 is on the minus strand). VCF-style: chr1-112929269-G-C. GRCh37 (hg19) VCF-style: chr1-113471891-G-C.
Other names: c.40C>G, p.Pro14Ala (NM_001166496.2); short protein forms P14A.
Identifiers: ClinVar variation 1516614 (VCV001516614.6), dbSNP rs751574145, ClinGen allele CA341826526.
Genomic context (GRCh38, chr1:112,929,269, plus strand): 5'-AAGAGAAGCCGATGGAAATGAAAGCTCCAATTACCACTGCCCAGCCCCAGCCTCCATCTG[G>C]GGGGGTGTATCCAACTGGACCTCCAACTGCTGGTGGCATTTTAAGTGTAGATAAATTCCA-3'
Protein context (NP_003042.3, residues 4-24): AVGGPVGYTP[Pro14Ala]DGGWGWAVVI